The following is an entry in ClinVar:

ClinVar aggregate classification (germline): Benign. Review status: criteria provided, multiple submitters, no conflicts (2 of 4 stars). 3 submissions from 3 submitters: Benign (2). 1 of the submissions does not count toward it. Last evaluated 2026-02-03.

Conditions:
MCM5-related disorder. Also called: MCM5-related condition.

Allele frequency attached by ClinVar (database versions not stated): ESP Exome Variant Server 0.09765; 1000 Genomes Project 30x 0.11868; gnomAD 0.09476 and 0.09408; TOPMed 0.09729; 1000 Genomes Project 0.12021.
gnomAD v4.1: 91,910 of 1,613,964 alleles (5.7%); highest among the groups gnomAD compares: African/African-American, 22%; 4,078 homozygotes.

Submissions (3):

Labcorp Genetics (formerly Invitae), Labcorp
Classification: Benign. Last evaluated: 2026-02-03. Review status: criteria provided, single submitter. Criteria: Invitae Variant Classification Sherloc (09022015). Collection method: clinical testing. Allele origin: germline.

Breakthrough Genomics
Classification: Benign. Review status: criteria provided, single submitter. Criteria: ACMG Guidelines, 2015. Collection method: not provided. Allele origin: germline. Inheritance: Autosomal recessive inheritance. Affected: yes.

PreventionGenetics, part of Exact Sciences
Classification: Benign for MCM5-related condition. Last evaluated: 2019-11-26. Review status: no assertion criteria provided. Collection method: clinical testing. Allele origin: germline. Not counted in ClinVar's aggregate classification.
Comment: This variant is classified as benign based on ACMG/AMP sequence variant interpretation guidelines (Richards et al. 2015 PMID: 25741868, with internal and published modifications).

NM_006739.4(MCM5):c.831T>C (p.Thr277=)

Gene: MCM5 (minichromosome maintenance complex component 5; plus strand). Cytogenetic location: 22q12.3.
Variant type: single nucleotide variant.
Coding change: c.831T>C on transcript NM_006739.4 (MANE Select); coding-DNA position 831, T replaced by C.
Protein change: p.Thr277=; no amino-acid change (threonine 277 retained).
Molecular consequence: synonymous variant.
Genome position (GRCh38, 1-based): chr22:35,410,822, T>C. VCF-style: chr22-35410822-T-C. GRCh37 (hg19) VCF-style: chr22-35806815-T-C.
Other names: c.831T>C (NM_006739.3).
Identifiers: ClinVar variation 1557965 (VCV001557965.11), dbSNP rs133417, ClinGen allele CA10205178.